The following is an entry in ClinVar:

NM_015073.3(SIPA1L3):c.3492dup (p.Gly1165fs)

Gene: SIPA1L3 (signal induced proliferation associated 1 like 3; plus strand). Cytogenetic location: 19q13.13.
Variant type: Duplication.
Coding change: c.3492dup on transcript NM_015073.3 (MANE Select); coding-DNA position 3492, one base duplicated (C; older notation c.3492dupC).
Protein change: p.Gly1165fs; shifts the reading frame from glycine 1165.
Molecular consequence: frameshift variant.
Genome position (GRCh38, 1-based): chr19:38,142,669, C duplicated; the last of 5 consecutive C bases (chr19:38,142,665-38,142,669); duplicating any one gives the same sequence. VCF-style (leftmost placement, unchanged base first): chr19-38142664-A-AC. GRCh37 (hg19) VCF-style: chr19-38633304-A-AC.
Other names: short protein forms G1165fs.
Identifiers: ClinVar variation 1687350 (VCV001687350.1), dbSNP rs1568573490, ClinGen allele CA2573156287.

ClinVar aggregate classification (germline): Pathogenic (1 of 4 stars; one submission).

Conditions:
Cataract 45 (CTRCT45). Identifiers: Orphanet 91492, MedGen C4225182, MONDO:0014799, OMIM 616851.

Submission:

3billion
Classification: Pathogenic for Cataract 45. Last evaluated: 2022-05-22. Review status: criteria provided, single submitter. Criteria: ACMG Guidelines, 2015. Collection method: clinical testing. Allele origin: germline. Affected: yes. Observed: 1 homozygote.
Comment: The variant is not observed in the gnomAD v2.1.1 dataset. Frameshift: predicted to result in a loss or disruption of normal protein function through nonsense-mediated decay (NMD) or protein truncation. Multiple pathogenic variants are reported downstream of the variant. Therefore, this variant is classified as pathogenic according to the recommendation of ACMG/AMP guideline.